The following is an entry in ClinVar:

NM_001242896.3(DEPDC5):c.4579C>T (p.Arg1527Trp)

Gene: DEPDC5 (DEP domain containing 5, GATOR1 subcomplex subunit; plus strand). Cytogenetic location: 22q12.3.
Variant type: single nucleotide variant.
Coding change: c.4579C>T on transcript NM_001242896.3 (MANE Select); coding-DNA position 4579, C replaced by T.
Protein change: p.Arg1527Trp; replaces arginine 1527 with tryptophan.
Molecular consequence: missense variant. On other transcripts: non-coding transcript variant (5).
Genome position (GRCh38, 1-based): chr22:31,906,264, C>T. VCF-style: chr22-31906264-C-T. GRCh37 (hg19) VCF-style: chr22-32302250-C-T.
Other names: c.4552C>T, p.Arg1518Trp (NM_001136029.4); c.4279C>T, p.Arg1427Trp (NM_001242897.2); c.4513C>T, p.Arg1505Trp (NM_001363852.2, NM_001364320.2); c.4345C>T, p.Arg1449Trp (NM_001363854.2, NM_001364319.2); c.4579C>T, p.Arg1527Trp (NM_001364318.2); c.4495C>T, p.Arg1499Trp (NM_001369901.1, NM_001369902.1); c.4486C>T, p.Arg1496Trp (NM_001369903.1, NM_014662.6); short protein forms R1499W, R1449W, R1527W, R1518W, R1427W, R1496W, R1505W.
Identifiers: ClinVar variation 851441 (VCV000851441.9), dbSNP rs2093757123, ClinGen allele CA411292437.

ClinVar aggregate classification (germline): Uncertain significance (1 of 4 stars; one submission).

Conditions:
Familial focal epilepsy with variable foci (FPEVF). Identifiers: Orphanet 98820, MedGen C1858477, MONDO:0020310.

Allele frequency attached by ClinVar (database versions not stated): gnomAD exomes below 0.00001.

Submission:

Labcorp Genetics (formerly Invitae), Labcorp
Classification: Uncertain significance for Familial focal epilepsy with variable foci. Last evaluated: 2025-10-20. Review status: criteria provided, single submitter. Criteria: Invitae Variant Classification Sherloc (09022015). Collection method: clinical testing. Allele origin: germline.
Comment: This sequence change replaces arginine, which is basic and polar, with tryptophan, which is neutral and slightly polar, at codon 1527 of the DEPDC5 protein (p.Arg1527Trp). This variant is not present in population databases (gnomAD no frequency). This variant has not been reported in the literature in individuals affected with DEPDC5-related conditions. ClinVar contains an entry for this variant (Variation ID: 851441). Experimental studies and prediction algorithms are not available or were not evaluated, and the functional significance of this variant is currently unknown. In summary, the available evidence is currently insufficient to determine the role of this variant in disease. Therefore, it has been classified as a Variant of Uncertain Significance.